The following is an entry in ClinVar:

NM_000388.4(CASR):c.712G>C (p.Asp238His)

Gene: CASR (calcium sensing receptor; plus strand). Cytogenetic location: 3q21.1.
Variant type: single nucleotide variant.
Coding change: c.712G>C on transcript NM_000388.4 (MANE Select); coding-DNA position 712, G replaced by C.
Protein change: p.Asp238His; replaces aspartic acid 238 with histidine.
Molecular consequence: missense variant.
Genome position (GRCh38, 1-based): chr3:122,261,747, G>C. VCF-style: chr3-122261747-G-C. GRCh37 (hg19) VCF-style: chr3-121980594-G-C.
Other names: c.712G>C, p.Asp238His (NM_001178065.2); short protein forms D238H.
Identifiers: ClinVar variation 568757 (VCV000568757.10), dbSNP rs373376842, ClinGen allele CA354151187.
Genomic context (GRCh38, chr3:122,261,747, plus strand): 5'-TATGGGCGGCCGGGGATTGAGAAATTCCGAGAGGAAGCTGAGGAAAGGGATATCTGCATC[G>C]ACTTCAGTGAACTCATCTCCCAGTACTCTGATGAGGAAGAGATCCAGCATGTGGTAGAGG-3'
Protein context (NP_000379.3, residues 228-248): EEAEERDICI[Asp238His]FSELISQYSD

ClinVar aggregate classification (germline): Uncertain significance (1 of 4 stars; one submission).

Conditions:
Familial hypocalciuric hypercalcemia (FHH). Also called: Familial benign hypercalcemia. Identifiers: Orphanet 405, MedGen C1809471, MONDO:0018458.
Autosomal dominant hypocalcemia 1 (HYPOC1). Also called: HYPOCALCEMIA, FAMILIAL. Identifiers: MedGen C3715128, MONDO:0011013, OMIM 601198.

Submission:

Labcorp Genetics (formerly Invitae), Labcorp
Classification: Uncertain significance for Familial hypocalciuric hypercalcemia; Autosomal dominant hypocalcemia 1. Last evaluated: 2018-03-10. Review status: criteria provided, single submitter. Criteria: Invitae Variant Classification Sherloc (09022015). Collection method: clinical testing. Allele origin: germline.
Comment: This variant is not present in population databases (ExAC no frequency). This sequence change replaces aspartic acid with histidine at codon 238 of the CASR protein (p.Asp238His). The aspartic acid residue is highly conserved and there is a moderate physicochemical difference between aspartic acid and histidine. This variant has not been reported in the literature in individuals with CASR-related disease. In summary, the available evidence is currently insufficient to determine the role of this variant in disease. Therefore, it has been classified as a Variant of Uncertain Significance. Algorithms developed to predict the effect of missense changes on protein structure and function (SIFT, PolyPhen-2, Align-GVGD) all suggest that this variant is likely to be tolerated, but these predictions have not been confirmed by published functional studies and their clinical significance is uncertain.